The following is an entry in ClinVar:

ClinVar aggregate classification (germline): Uncertain significance. Review status: criteria provided, multiple submitters, no conflicts (2 of 4 stars). 3 submissions from 3 submitters: Uncertain significance (2). 1 of the submissions does not count toward it. Last evaluated 2022-09-02.

Conditions:
Hereditary breast ovarian cancer syndrome. Also called: Hereditary breast and ovarian cancer syndrome; Hereditary breast and ovarian cancer; Hereditary breast and ovarian cancer syndrome (HBOC); Breast and ovarian cancer; Hereditary breast and/or ovarian cancer syndrome; BRCA1- and BRCA2-Associated Hereditary Breast and Ovarian Cancer. Identifiers: Orphanet 145, MedGen C0677776, MeSH D061325, MONDO:0003582. Disease mechanism: loss of function.
Hereditary cancer-predisposing syndrome. Also called: Neoplastic Syndromes, Hereditary; Tumor predisposition; Hereditary neoplastic syndrome; Hereditary Cancer Syndrome. Identifiers: Orphanet 140162, MedGen C0027672, MeSH D009386, MONDO:0015356.
Breast-ovarian cancer, familial, susceptibility to, 2 (BROVCA2). Also called: BRCA2 Hereditary Breast and Ovarian Cancer. Identifiers: Orphanet 145, MedGen C2675520, MONDO:0012933, OMIM 612555. Disease mechanism: loss of function.

Submissions (3):

Color Diagnostics, LLC DBA Color Health
Classification: Uncertain significance for Hereditary cancer-predisposing syndrome. Last evaluated: 2022-09-02. Review status: criteria provided, single submitter. Criteria: ACMG Guidelines, 2015. Collection method: clinical testing. Allele origin: germline.
Comment: This missense variant replaces lysine with glutamic acid at codon 3236 of the BRCA2 protein. Computational prediction suggests that this variant may not impact protein structure and function (internally defined REVEL score threshold <= 0.5, PMID: 27666373). To our knowledge, functional studies have not been performed for this variant. This variant has been reported in one healthy control in a breast cancer case-control study (PMID: 30287823). This variant has not been identified in the general population by the Genome Aggregation Database (gnomAD). The available evidence is insufficient to determine the role of this variant in disease conclusively. Therefore, this variant is classified as a Variant of Uncertain Significance.

Labcorp Genetics (formerly Invitae), Labcorp
Classification: Uncertain significance for Hereditary breast ovarian cancer syndrome. Last evaluated: 2021-09-01. Review status: criteria provided, single submitter. Criteria: Invitae Variant Classification Sherloc (09022015). Collection method: clinical testing. Allele origin: germline.
Comment: In summary, the available evidence is currently insufficient to determine the role of this variant in disease. Therefore, it has been classified as a Variant of Uncertain Significance. Advanced modeling of protein sequence and biophysical properties (such as structural, functional, and spatial information, amino acid conservation, physicochemical variation, residue mobility, and thermodynamic stability) performed at Invitae indicates that this missense variant is not expected to disrupt BRCA2 protein function. This sequence change replaces lysine with glutamic acid at codon 3236 of the BRCA2 protein (p.Lys3236Glu). The lysine residue is weakly conserved and there is a small physicochemical difference between lysine and glutamic acid. This variant is not present in population databases (ExAC no frequency). This variant has not been reported in the literature in individuals affected with BRCA2-related conditions. ClinVar contains an entry for this variant (Variation ID: 52893).

Breast Cancer Information Core (BIC) (BRCA2)
Classification: Uncertain significance for Breast-ovarian cancer, familial 2. Last evaluated: 2002-05-29. Review status: no assertion criteria provided. Collection method: clinical testing. Allele origin: germline. Affected: yes. Observed: 1 variant allele. Not counted in ClinVar's aggregate classification.

Literature cited by the submitters: PubMed 30287823 (cited by Color Diagnostics, LLC DBA Color Health).

NM_000059.4(BRCA2):c.9706A>G (p.Lys3236Glu)

Gene: BRCA2 (BRCA2 DNA repair associated; plus strand). Cytogenetic location: 13q13.1.
Variant type: single nucleotide variant.
Coding change: c.9706A>G on transcript NM_000059.4 (MANE Select); coding-DNA position 9706, A replaced by G.
Protein change: p.Lys3236Glu; replaces lysine 3236 with glutamic acid.
Molecular consequence: missense variant.
Genome position (GRCh38, 1-based): chr13:32,398,219, A>G. VCF-style: chr13-32398219-A-G. GRCh37 (hg19) VCF-style: chr13-32972356-A-G.
Other names: short protein forms K3236E.
Identifiers: ClinVar variation 52893 (VCV000052893.13), dbSNP rs80359239, ClinGen allele CA026276.